The following is an entry in ClinVar:

ClinVar aggregate classification (germline): Uncertain significance (1 of 4 stars; one submission).

Submission:

Labcorp Genetics (formerly Invitae), Labcorp
Classification: Uncertain significance. Last evaluated: 2025-04-24. Review status: criteria provided, single submitter. Criteria: Invitae Variant Classification Sherloc (09022015). Collection method: clinical testing. Allele origin: germline.
Comment: This sequence change replaces glycine, which is neutral and non-polar, with serine, which is neutral and polar, at codon 1468 of the COL17A1 protein (p.Gly1468Ser). This variant is not present in population databases (gnomAD no frequency). This variant has not been reported in the literature in individuals affected with COL17A1-related conditions. Experimental studies and prediction algorithms are not available or were not evaluated, and the functional significance of this variant is currently unknown. In summary, the available evidence is currently insufficient to determine the role of this variant in disease. Therefore, it has been classified as a Variant of Uncertain Significance.

NM_000494.4(COL17A1):c.4402G>A (p.Gly1468Ser)

Gene: COL17A1 (collagen type XVII alpha 1 chain; minus strand). Cytogenetic location: 10q25.1.
Variant type: single nucleotide variant.
Coding change: c.4402G>A on transcript NM_000494.4 (MANE Select); coding-DNA position 4402, G replaced by A.
Protein change: p.Gly1468Ser; replaces glycine 1468 with serine.
Molecular consequence: missense variant.
Genome position (GRCh38, 1-based): chr10:104,032,710, C>T on the plus strand (G>A on the coding strand, the complement: COL17A1 is on the minus strand). VCF-style: chr10-104032710-C-T. GRCh37 (hg19) VCF-style: chr10-105792468-C-T.
Other names: short protein forms G1468S.
Identifiers: ClinVar variation 4698136 (VCV004698136.1).